The following is an entry in ClinVar:

ClinVar aggregate classification (germline): Uncertain significance (1 of 4 stars; one submission).

Allele frequency attached by ClinVar (database versions not stated): ExAC 0.00011; gnomAD 0.00011; TOPMed 0.00011.
gnomAD v4.1: 134 of 1,613,178 alleles (0.0083%); highest among the groups gnomAD compares: Non-Finnish European, 0.0099%; no homozygotes.

Submission:

Labcorp Genetics (formerly Invitae), Labcorp
Classification: Uncertain significance. Last evaluated: 2026-01-05. Review status: criteria provided, single submitter. Criteria: Invitae Variant Classification Sherloc (09022015). Collection method: clinical testing. Allele origin: germline.
Comment: This sequence change replaces leucine, which is neutral and non-polar, with methionine, which is neutral and non-polar, at codon 658 of the H6PD protein (p.Leu658Met). This variant is present in population databases (rs772996100, gnomAD 0.07%). This variant has not been reported in the literature in individuals affected with H6PD-related conditions. ClinVar contains an entry for this variant (Variation ID: 2157100). Invitae Evidence Modeling of protein sequence and biophysical properties (such as structural, functional, and spatial information, amino acid conservation, physicochemical variation, residue mobility, and thermodynamic stability) indicates that this missense variant is not expected to disrupt H6PD protein function with a negative predictive value of 80%. In summary, the available evidence is currently insufficient to determine the role of this variant in disease. Therefore, it has been classified as a Variant of Uncertain Significance.

NM_004285.4(H6PD):c.1972C>A (p.Leu658Met)

Gene: H6PD (hexose-6-phosphate dehydrogenase/glucose 1-dehydrogenase; plus strand). Cytogenetic location: 1p36.22.
Variant type: single nucleotide variant.
Coding change: c.1972C>A on transcript NM_004285.4 (MANE Select); coding-DNA position 1972, C replaced by A.
Protein change: p.Leu658Met; replaces leucine 658 with methionine.
Molecular consequence: missense variant.
Genome position (GRCh38, 1-based): chr1:9,264,465, C>A. VCF-style: chr1-9264465-C-A. GRCh37 (hg19) VCF-style: chr1-9324524-C-A.
Other names: c.2005C>A, p.Leu669Met (NM_001282587.2); short protein forms L669M, L658M.
Identifiers: ClinVar variation 2157100 (VCV002157100.4), dbSNP rs772996100, ClinGen allele CA575481.